The following is an entry in ClinVar:

ClinVar aggregate classification (somatic clinical impact): Tier I - Strong (1 of 4 stars; one submission).
ClinVar aggregate classification (oncogenicity): Likely oncogenic (0 of 4 stars; one submission).

Conditions:
Central nervous system germ cell tumor. Identifiers: MedGen C1332880, MONDO:0003000.
Gastrointestinal stromal tumor. Also called: Gastrointestinal stromal tumor, somatic; Gastrointestinal stroma tumor. Identifiers: Orphanet 44890, MedGen C0238198, MeSH D046152, MONDO:0011719, OMIM 606764, HP:0100723.

Submissions (2):

Institute for Genomic Medicine (IGM) Clinical Laboratory, Nationwide Children's Hospital
Classification: Tier I - Strong for Central nervous system germ cell tumor. Assertion type: diagnostic. Clinical significance: supports diagnosis. Last evaluated: 2025-04-02. Review status: criteria provided, single submitter. Criteria: AMP/ASCO/CAP Guidelines, 2017. Collection method: clinical testing. Allele origin: somatic. Affected: yes.
Comment: Variant has Tier I (strong) clinical significance as a diagnostic inclusion criterion in central nervous system germ cell tumor, based on the following evidence: 1) Documented in one or more cancer databases (e.g., St. Jude Pecan, COSMIC, CIViC, OncoKB). 2) Appears in one or more well-established professional guidelines (e.g., World Health Organization [WHO]; National Comprehensive Cancer Network [NCCN]) as providing diagnostic, prognostic, or therapeutic information. 3) Information in the literature supports potential biologic effect of variant (PMIDs: 12481435, 14645423, 15790786, 16397263, 16434489). 4) Diagnostic for a specific tumor type/classification based on well-powered studies with expert-level consensus (Evidence Level B; PMIDs: 24452629, 24896186, 27391150).

National Institute of Cancer Research, National Health Research Institutes
Classification: Likely oncogenic for Gastrointestinal stromal tumor. Review status: no assertion criteria provided. Collection method: research. Allele origin: somatic. Affected: yes. Observed: 1 variant allele.
Comment: the literature

Literature cited by the submitters: PubMed 12481435 (cited by Institute for Genomic Medicine (IGM) Clinical Laboratory, Nationwide Children's Hospital); PubMed 14645423 (cited by Institute for Genomic Medicine (IGM) Clinical Laboratory, Nationwide Children's Hospital); PubMed 15790786 (cited by Institute for Genomic Medicine (IGM) Clinical Laboratory, Nationwide Children's Hospital); PubMed 16397263 (cited by Institute for Genomic Medicine (IGM) Clinical Laboratory, Nationwide Children's Hospital); PubMed 16434489 (cited by Institute for Genomic Medicine (IGM) Clinical Laboratory, Nationwide Children's Hospital); PubMed 24452629 (cited by Institute for Genomic Medicine (IGM) Clinical Laboratory, Nationwide Children's Hospital); PubMed 24896186 (cited by Institute for Genomic Medicine (IGM) Clinical Laboratory, Nationwide Children's Hospital); PubMed 27391150 (cited by Institute for Genomic Medicine (IGM) Clinical Laboratory, Nationwide Children's Hospital).

NM_000222.3(KIT):c.1679T>G (p.Val560Gly)

Gene: KIT (KIT proto-oncogene, receptor tyrosine kinase; plus strand). Cytogenetic location: 4q12.
Variant type: single nucleotide variant.
Coding change: c.1679T>G on transcript NM_000222.3 (MANE Select); coding-DNA position 1679, T replaced by G.
Protein change: p.Val560Gly; replaces valine 560 with glycine.
Molecular consequence: missense variant.
Genome position (GRCh38, 1-based): chr4:54,727,447, T>G. VCF-style: chr4-54727447-T-G. GRCh37 (hg19) VCF-style: chr4-55593613-T-G.
Other names: c.1667T>G, p.Val556Gly (NM_001093772.2, NM_001385286.1); c.1682T>G, p.Val561Gly (NM_001385284.1, NM_001385290.1); c.1679T>G, p.Val560Gly (NM_001385285.1); c.1670T>G, p.Val557Gly (NM_001385288.1, NM_001385292.1); short protein forms V560G, V556G, V557G, V561G.
Identifiers: ClinVar variation 375916 (VCV000375916.3), dbSNP rs121913521, ClinGen allele CA16602398.